The following is an entry in ClinVar:

NM_000051.4(ATM):c.5497-2A>G

Gene: ATM (ATM serine/threonine kinase; plus strand). Cytogenetic location: 11q22.3.
Variant type: single nucleotide variant.
Coding change: c.5497-2A>G on transcript NM_000051.4 (MANE Select); the canonical splice acceptor site of the intron before coding-DNA position 5497, A replaced by G.
Molecular consequence: splice acceptor variant.
Genome position (GRCh38, 1-based): chr11:108,304,673, A>G. VCF-style: chr11-108304673-A-G. GRCh37 (hg19) VCF-style: chr11-108175400-A-G.
Other names: c.5497-2A>G (NM_001351834.2).
Identifiers: ClinVar variation 187521 (VCV000187521.25), dbSNP rs786203796, ClinGen allele CA197864.

ClinVar aggregate classification (germline): Pathogenic/Likely pathogenic. Review status: criteria provided, multiple submitters, no conflicts (2 of 4 stars). 10 submissions from 10 submitters: Pathogenic (6); Likely pathogenic (4). Last evaluated 2026-08-28.

Conditions:
ATM-related cancer predisposition. Also called: ATM-related cancer susceptibility. Identifiers: MedGen CN377759, MONDO:0700270.
ATM-related disorder. Also called: ATM-related disorders; ATM-related condition.
Familial cancer of breast. Also called: hereditary breast carcinoma; Hereditary breast cancer; BREAST CANCER, FAMILIAL. Identifiers: Orphanet 227535, MedGen C0346153, MONDO:0016419, OMIM 114480. Disease mechanism: loss of function.
Ataxia-telangiectasia syndrome (AT). Also called: Ataxia-telangiectasia, complementation group D; AT, COMPLEMENTATION GROUP C; Cerebello-oculocutaneous telangiectasia; Immunodeficiency with ataxia telangiectasia; ATAXIA-TELANGIECTASIA, COMPLEMENTATION GROUP A; ATAXIA-TELANGIECTASIA, FRESNO VARIANT. Identifiers: Orphanet 100, MedGen C0004135, MONDO:0008840, OMIM 208900.
Hereditary cancer-predisposing syndrome. Also called: Neoplastic Syndromes, Hereditary; Tumor predisposition; Hereditary Cancer Syndrome; Hereditary neoplastic syndrome. Identifiers: Orphanet 140162, MedGen C0027672, MeSH D009386, MONDO:0015356.

Allele frequency attached by ClinVar (database versions not stated): TOPMed 0.00001.

Submissions (10):

Myriad Genetics, Inc.
Classification: Pathogenic for Familial cancer of breast. Last evaluated: 2026-08-28. Review status: criteria provided, single submitter. Criteria: Myriad Autosomal Dominant, Autosomal Recessive and X-Linked Classification Criteria (2023). Collection method: clinical testing. Allele origin: unknown.
Comment: This variant is considered pathogenic. This variant occurs within a consensus splice junction and is predicted to result in abnormal mRNA splicing of either an out-of-frame exon or an in-frame exon necessary for protein stability and/or normal function. mRNA analysis has demonstrated abnormal mRNA splicing occurs [PMID: 21665257,10330348, 31843900]. This variant has been reported in multiple individuals with clinical features of gene-specific disease [PMID: 29906526, 21665257,14695534, 10330348, 31843900, 30772474, 37438524].

Institute of Human Genetics, Heidelberg University
Classification: Likely pathogenic for Familial cancer of breast. Last evaluated: 2025-11-10. Review status: criteria provided, single submitter. Criteria: ACMG Guidelines, 2015. Collection method: clinical testing. Allele origin: maternal. Affected: no. Observed: 2 variant alleles.
Comment: PVS1; PM2_supp;

Labcorp Genetics (formerly Invitae), Labcorp
Classification: Pathogenic for Ataxia-telangiectasia syndrome. Last evaluated: 2025-09-27. Review status: criteria provided, single submitter. Criteria: Invitae Variant Classification Sherloc (09022015). Collection method: clinical testing. Allele origin: germline.
Comment: This sequence change affects an acceptor splice site in intron 36 of the ATM gene. RNA analysis indicates that disruption of this splice site induces altered splicing and may result in an absent or altered protein product. This variant is not present in population databases (gnomAD no frequency). Disruption of this splice site has been observed in individual(s) with ataxia-telangiectasia (PMID: 10330348). ClinVar contains an entry for this variant (Variation ID: 187521). Studies have shown that disruption of this splice site results in activation of a cryptic splice site, and produces a non-functional protein and/or introduces a premature termination codon (internal data). For these reasons, this variant has been classified as Pathogenic.

Dasa
Classification: Pathogenic for ATM-related cancer predisposition. Last evaluated: 2025-01-20. Review status: criteria provided, single submitter. Criteria: DASA Assertion Criteria. Collection method: clinical testing. Allele origin: germline.
Comment: NM_000051.4(ATM):c.5497-2A>G introduces a premature termination codon predicted to result in loss of normal protein function. Loss-of-function is an established mechanism of disease for this gene. This variant has been reported in individuals with ATM-related cancer predisposition. The variant is present at low frequency in population datasets. Based on the available data, this variant is classified as pathogenic.

Department of Human Genetics, Hannover Medical School
Classification: Pathogenic for Familial cancer of breast. Last evaluated: 2024-06-21. Review status: criteria provided, single submitter. Criteria: ACMG Guidelines, 2015. Collection method: clinical testing. Allele origin: germline. Inheritance: Autosomal dominant inheritance. Affected: yes.

Baylor Genetics
Classification: Likely pathogenic for Familial cancer of breast. Last evaluated: 2024-01-22. Review status: criteria provided, single submitter. Criteria: ACMG Guidelines, 2015. Collection method: clinical testing. Allele origin: unknown.

GeneDx
Classification: Pathogenic. Last evaluated: 2024-01-22. Review status: criteria provided, single submitter. Criteria: GeneDx Variant Classification Process June 2021. Collection method: clinical testing. Allele origin: germline. Affected: yes.
Comment: Canonical splice site variant in a gene for which loss-of-function is a known mechanism of disease; Not observed in large population cohorts (gnomAD); Also known as IVS38-2A>G; This variant is associated with the following publications: (PMID: 27159176)

Ambry Genetics
Classification: Pathogenic for Hereditary cancer-predisposing syndrome. Last evaluated: 2023-04-05. Review status: criteria provided, single submitter. Criteria: Ambry Variant Classification Scheme 2023. Collection method: clinical testing. Allele origin: germline.
Comment: The c.5497-2A>G pathogenic mutation results from an A to G substitution two nucleotides before coding exon 36 of the ATM gene. An alteration impacting the same nucleotide position has been reported in a patient with ataxia-telangiectasia (AT) (Teraoka et al. Am. J. Hum. Genet. 1999 Jun;64(6):1617-31). This variant is considered to be rare based on population cohorts in the Genome Aggregation Database (gnomAD). This nucleotide position is highly conserved in available vertebrate species. In silico splice site analysis predicts that this alteration will weaken the native splice acceptor site. RNA studies have demonstrated that this alteration results in abnormal splicing in the set of samples tested (Ambry internal data). In addition to the clinical data presented in the literature, alterations that disrupt the canonical splice site are expected to cause aberrant splicing, resulting in an abnormal protein or a transcript that is subject to nonsense-mediated mRNA decay. As such, this alteration is classified as a disease-causing mutation.

Color Diagnostics, LLC DBA Color Health
Classification: Likely pathogenic for Hereditary cancer-predisposing syndrome. Last evaluated: 2021-05-25. Review status: criteria provided, single submitter. Criteria: ACMG Guidelines, 2015. Collection method: clinical testing. Allele origin: germline.
Comment: This variant causes an A to G nucleotide substitution at the -2 position of intron 36 of the ATM gene. Splice site prediction tools predict that this variant may have a significant impact on RNA splicing. Although this prediction has not been confirmed in published RNA studies, this variant is expected to result in an absent or disrupted protein product. To our knowledge, this variant has not been reported in individuals affected with hereditary cancer in the literature. This variant has not been identified in the general population by the Genome Aggregation Database (gnomAD). Loss of ATM function is a known mechanism of disease. Based on the available evidence, this variant is classified as Likely Pathogenic.

Blueprint Genetics
Classification: Likely pathogenic for ATM-related disorders. Last evaluated: 2018-09-05. Review status: criteria provided, single submitter. Criteria: ACMG Guidelines, 2015. Collection method: clinical testing. Allele origin: germline. Affected: yes. Observed: 1 variant allele.

Literature cited by the submitters: PubMed 21665257 (cited by Myriad Genetics, Inc.); PubMed 10330348 (cited by 3 submitters); PubMed 31843900 (cited by Myriad Genetics, Inc.); PubMed 29906526 (cited by Myriad Genetics, Inc.); PubMed 14695534 (cited by Myriad Genetics, Inc.); PubMed 30772474 (cited by Myriad Genetics, Inc.); PubMed 37438524 (cited by Myriad Genetics, Inc.).